The following is an entry in ClinVar:

NM_001365999.1(SZT2):c.6290+3A>G

Gene: SZT2 (SZT2 subunit of KICSTOR complex; plus strand). Cytogenetic location: 1p34.2.
Variant type: single nucleotide variant.
Coding change: c.6290+3A>G on transcript NM_001365999.1 (MANE Select); 3 bases into the intron after coding-DNA position 6290, A replaced by G.
Molecular consequence: intron variant.
Genome position (GRCh38, 1-based): chr1:43,437,511, A>G. VCF-style: chr1-43437511-A-G. GRCh37 (hg19) VCF-style: chr1-43903182-A-G.
Other names: c.6119+3A>G (NM_015284.4).
Identifiers: ClinVar variation 1357155 (VCV001357155.5), dbSNP rs878855009, ClinGen allele CA522806374.
Genomic context (GRCh38, chr1:43,437,511, plus strand): 5'-ACCGGAAAAACATGTTTGTTTACCAGGAGCGAGCAACAAAGGCTGTGTACTATCTTCGGT[A>G]TGTGGCCCTTGGAAGGTGGGTAGGGCATGAATTAAGGATGGCCTGGGAGGAGGCATGTCC-3'

ClinVar aggregate classification (germline): Uncertain significance (1 of 4 stars; one submission).

Allele frequency attached by ClinVar (database versions not stated): gnomAD exomes 0.00001; TOPMed 0.00001.
gnomAD v4.1: 20 of 1,614,144 alleles (0.0012%); highest among the groups gnomAD compares: Non-Finnish European, 0.0017%; no homozygotes.

Submission:

Labcorp Genetics (formerly Invitae), Labcorp
Classification: Uncertain significance. Last evaluated: 2023-06-04. Review status: criteria provided, single submitter. Criteria: Invitae Variant Classification Sherloc (09022015). Collection method: clinical testing. Allele origin: germline.
Comment: This sequence change falls in intron 43 of the SZT2 gene. It does not directly change the encoded amino acid sequence of the SZT2 protein. It affects a nucleotide within the consensus splice site. This variant is present in population databases (no rsID available, gnomAD 0.003%). This variant has not been reported in the literature in individuals affected with SZT2-related conditions. ClinVar contains an entry for this variant (Variation ID: 1357155). Variants that disrupt the consensus splice site are a relatively common cause of aberrant splicing (PMID: 17576681, 9536098). Algorithms developed to predict the effect of sequence changes on RNA splicing suggest that this variant may create or strengthen a splice site. In summary, the available evidence is currently insufficient to determine the role of this variant in disease. Therefore, it has been classified as a Variant of Uncertain Significance.

Literature cited by the submitters: PubMed 17576681; PubMed 9536098.